The following is an entry in ClinVar:

ClinVar aggregate classification (germline): Uncertain significance (1 of 4 stars; one submission).

Submission:

Ambry Genetics
Classification: Uncertain significance. Last evaluated: 2026-06-22. Review status: criteria provided, single submitter. Criteria: Ambry Variant Classification Scheme 2023. Collection method: clinical testing. Allele origin: germline.
Comment: The p.Q114P variant (also known as c.341A>C), located in coding exon 1 of the TET2 gene, results from an A to C substitution at nucleotide position 341. The glutamine at codon 114 is replaced by proline, an amino acid with similar properties. This amino acid position is conserved. In addition, this alteration is predicted to be tolerated by in silico analysis. Based on the available evidence, the clinical significance of this variant remains unclear.

NM_001127208.3(TET2):c.341A>C (p.Gln114Pro)

Genes: TET2 (tet methylcytosine dioxygenase 2; plus strand), TET2-AS1 (TET2 antisense RNA 1; minus strand). Cytogenetic location: 4q24.
Variant type: single nucleotide variant.
Coding change: c.341A>C on transcript NM_001127208.3 (MANE Select); coding-DNA position 341, A replaced by C.
Protein change: p.Gln114Pro; replaces glutamine 114 with proline.
Molecular consequence: missense variant.
Genome position (GRCh38, 1-based): chr4:105,234,283, A>C. VCF-style: chr4-105234283-A-C. GRCh37 (hg19) VCF-style: chr4-106155440-A-C.
Other names: c.341A>C, p.Gln114Pro (NM_017628.4); short protein forms Q114P.
Identifiers: ClinVar variation 5030682 (VCV005030682.1).